The following is an entry in ClinVar:

NM_004706.4(ARHGEF1):c.2161G>A (p.Asp721Asn)

Gene: ARHGEF1 (Rho guanine nucleotide exchange factor 1; plus strand). Cytogenetic location: 19q13.2.
Variant type: single nucleotide variant.
Coding change: c.2161G>A on transcript NM_004706.4 (MANE Select); coding-DNA position 2161, G replaced by A.
Protein change: p.Asp721Asn; replaces aspartic acid 721 with asparagine.
Molecular consequence: missense variant.
Genome position (GRCh38, 1-based): chr19:41,904,383, G>A. VCF-style: chr19-41904383-G-A. GRCh37 (hg19) VCF-style: chr19-42408535-G-A.
Other names: c.2062G>A, p.Asp688Asn (NM_198977.2); c.2206G>A, p.Asp736Asn (NM_199002.2); short protein forms D736N, D688N, D721N.
Identifiers: ClinVar variation 1347048 (VCV001347048.8), dbSNP rs1555849709, ClinGen allele CA406064836.

ClinVar aggregate classification (germline): Uncertain significance (1 of 4 stars; one submission).

Allele frequency attached by ClinVar (database versions not stated): gnomAD 0.00001; gnomAD exomes 0.00001.
gnomAD v4.1: 9 of 1,563,554 alleles (0.00058%); highest among the groups gnomAD compares: South Asian, 0.007%; no homozygotes.

Submission:

Labcorp Genetics (formerly Invitae), Labcorp
Classification: Uncertain significance. Last evaluated: 2024-10-22. Review status: criteria provided, single submitter. Criteria: Invitae Variant Classification Sherloc (09022015). Collection method: clinical testing. Allele origin: germline.
Comment: This sequence change replaces aspartic acid, which is acidic and polar, with asparagine, which is neutral and polar, at codon 736 of the ARHGEF1 protein (p.Asp736Asn). This variant also falls at the last nucleotide of exon 22, which is part of the consensus splice site for this exon. The frequency data for this variant in the population databases is considered unreliable, as metrics indicate poor data quality at this position in the gnomAD database. This variant has not been reported in the literature in individuals affected with ARHGEF1-related conditions. ClinVar contains an entry for this variant (Variation ID: 1347048). An algorithm developed to predict the effect of missense changes on protein structure and function (PolyPhen-2) suggests that this variant is likely to be tolerated. Variants that disrupt the consensus splice site are a relatively common cause of aberrant splicing (PMID: 17576681, 9536098). In summary, the available evidence is currently insufficient to determine the role of this variant in disease. Therefore, it has been classified as a Variant of Uncertain Significance.

Literature cited by the submitters: PubMed 17576681; PubMed 9536098.